The following is an entry in ClinVar:

ClinVar aggregate classification (germline): Pathogenic. Review status: criteria provided, multiple submitters, no conflicts (2 of 4 stars). 4 submissions from 4 submitters: Pathogenic (3). 1 of the submissions does not count toward it. Last evaluated 2025-11-18.

Conditions:
Galactosemia. Also called: Galactose intolerance. Identifiers: Orphanet 352, MedGen C0016952, MONDO:0018116, HP:0004919. Disease mechanism: loss of function.
Deficiency of UDPglucose-hexose-1-phosphate uridylyltransferase. Also called: GALACTOSE-1-PHOSPHATE URIDYLYLTRANSFERASE DEFICIENCY; GALT deficiency; Galactosemia, classic; Transferase Deficiency Galactosemia; GALACTOSEMIA I. Identifiers: Orphanet 352, Orphanet 79239, MedGen C0268151, MONDO:0009258, OMIM 230400.

Allele frequency attached by ClinVar (database versions not stated): TOPMed below 0.00001.
gnomAD v4.1: 5 of 1,613,874 alleles (0.00031%); highest among the groups gnomAD compares: Non-Finnish European, 0.00042%; no homozygotes.

Submissions (4):

Natera, Inc.
Classification: Pathogenic for Galactosemia. Last evaluated: 2025-11-18. Review status: criteria provided, single submitter. Criteria: Natera Variant Classification Schema (03/2026). Collection method: clinical testing. Allele origin: germline.
Comment: The c.1140A>C variant in GALT is a stop-loss variant predicted to disrupt the normal termination codon and extend translation beyond the canonical stop site. This variant is rare in the general population with a frequency below the threshold expected for the associated phenotype(s). This variant has been observed in one or more individuals affected with the associated recessive disease, as either homozygous or compound heterozygous with a second variant (PMID: 28065439, 15841485). Additionally, this variant has been observed to segregate in affected family members (PMID: 15841485). Given the available evidence, this variant is classified as Pathogenic.

Women's Health and Genetics/Laboratory Corporation of America, LabCorp
Classification: Pathogenic for Deficiency of UDPglucose-hexose-1-phosphate uridylyltransferase. Last evaluated: 2025-07-10. Review status: criteria provided, single submitter. Criteria: LabCorp Variant Classification Summary - May 2015. Collection method: clinical testing. Allele origin: germline.
Comment: Variant summary: GALT c.1140A>C (p.X380CysextX49) changes the termination codon and is predicted to lead to an extended protein with additional amino acids added to the normal C-terminus. GALT c.1140A>C (p.X380CysextX49) causes a frameshift which results in an extension of the protein. The variant was absent in 251208 control chromosomes. c.1140A>C has been observed in the presumed compound heterozygous state in multiple individuals affected with Galactosemia (example, Bosch_2005, Welling_2017). These data indicate that the variant is very likely to be associated with disease. Multiple publications report this variant was associated with severely reduced GALT enzyme activity in biallelic patient sample(s) (example, Bosch_2005, Welling_2017). The following publications have been ascertained in the context of this evaluation (PMID: 15841485, 28065439). ClinVar contains an entry for this variant (Variation ID: 25336). Based on the evidence outlined above, the variant was classified as pathogenic.

Labcorp Genetics (formerly Invitae), Labcorp
Classification: Pathogenic for Deficiency of UDPglucose-hexose-1-phosphate uridylyltransferase. Last evaluated: 2023-02-21. Review status: criteria provided, single submitter. Criteria: Invitae Variant Classification Sherloc (09022015). Collection method: clinical testing. Allele origin: germline.
Comment: For these reasons, this variant has been classified as Pathogenic. This variant results in an extension of the GALT protein. Other variant(s) that result in a similarly extended protein product (p.*380Argext*49) have been determined to be pathogenic (PMID: 10649501, 15633893, 20213376, 34030713). This suggests that these extensions are likely to be disease-causing. ClinVar contains an entry for this variant (Variation ID: 25336). This protein extension has been observed in individual(s) with galactosemia (PMID: 15841485, 28065439). This variant is not present in population databases (gnomAD no frequency). This sequence change disrupts the translational stop signal of the GALT mRNA. It is expected to extend the length of the GALT protein by 49 additional amino acid residues.

Counsyl
Classification: Likely pathogenic for Deficiency of UDPglucose-hexose-1-phosphate uridylyltransferase. Last evaluated: 2018-05-22. Review status: no assertion criteria provided. Collection method: clinical testing. Allele origin: unknown. Not counted in ClinVar's aggregate classification.

Literature cited by the submitters: PubMed 28065439 (cited by 4 submitters); PubMed 15841485 (cited by 4 submitters); PubMed 10649501 (cited by Labcorp Genetics (formerly Invitae), Labcorp); PubMed 15633893 (cited by Labcorp Genetics (formerly Invitae), Labcorp); PubMed 20213376 (cited by Labcorp Genetics (formerly Invitae), Labcorp); PubMed 34030713 (cited by Labcorp Genetics (formerly Invitae), Labcorp).

NM_000155.4(GALT):c.1140A>C (p.Ter380Cys)

Gene: GALT (galactose-1-phosphate uridylyltransferase; plus strand). Cytogenetic location: 9p13.3.
Variant type: single nucleotide variant.
Coding change: c.1140A>C on transcript NM_000155.4 (MANE Select); coding-DNA position 1140, A replaced by C.
Protein change: p.Ter380Cys.
Molecular consequence: stop lost.
Genome position (GRCh38, 1-based): chr9:34,650,449, A>C. VCF-style: chr9-34650449-A-C. GRCh37 (hg19) VCF-style: chr9-34650446-A-C.
Other names: *380C; *271C; c.813A>C, p.Ter271Cys (NM_001258332.2).
Identifiers: ClinVar variation 25336 (VCV000025336.9), dbSNP rs111033827, ClinGen allele CA259592.